The following is an entry in ClinVar:

NM_001375524.1(TRRAP):c.6377G>A (p.Gly2126Glu)

Gene: TRRAP (transformation/transcription domain associated protein; plus strand). Cytogenetic location: 7q22.1.
Variant type: single nucleotide variant.
Coding change: c.6377G>A on transcript NM_001375524.1 (MANE Select); coding-DNA position 6377, G replaced by A.
Protein change: p.Gly2126Glu; replaces glycine 2126 with glutamic acid.
Molecular consequence: missense variant.
Genome position (GRCh38, 1-based): chr7:98,959,378, G>A. VCF-style: chr7-98959378-G-A. GRCh37 (hg19) VCF-style: chr7-98557001-G-A.
Other names: c.6356G>A, p.Gly2119Glu (NM_001244580.2); c.6302G>A, p.Gly2101Glu (NM_003496.4); short protein forms G2101E, G2119E, G2126E.
Identifiers: ClinVar variation 1703137 (VCV001703137.3), dbSNP rs2484889364, ClinGen allele CA368282361.

ClinVar aggregate classification (germline): Uncertain significance (1 of 4 stars; one submission).

Submission:

Greenwood Genetic Center Diagnostic Laboratories, Greenwood Genetic Center
Classification: Uncertain significance. Last evaluated: 2022-04-12. Review status: criteria provided, single submitter. Criteria: ACMG Guidelines, 2015. Collection method: clinical testing. Allele origin: germline. Affected: yes.
Comment: PM2 PP2